The following is an entry in ClinVar:

NC_000003.11:g.(?_52424931)_(52427521_?)del

Gene: DNAH1 (dynein axonemal heavy chain 1; plus strand). Cytogenetic location: 3p21.1.
Variant type: Deletion.
Identifiers: ClinVar variation 2426175 (VCV002426175.5).

ClinVar aggregate classification (germline): Pathogenic (1 of 4 stars; one submission).

Conditions:
Spermatogenic failure 18. Identifiers: MedGen C4539783, MONDO:0054615, OMIM 617576.
Ciliary dyskinesia, primary, 37 (CILD37). Also called: CILIARY DYSKINESIA, PRIMARY, 37, WITH OR WITHOUT SITUS INVERSUS. Identifiers: MedGen C4539798, MONDO:0033204, OMIM 617577.

Submission:

Labcorp Genetics (formerly Invitae), Labcorp
Classification: Pathogenic for Ciliary dyskinesia, primary, 37; Spermatogenic failure 18. Last evaluated: 2023-10-07. Review status: criteria provided, single submitter. Criteria: Invitae Variant Classification Sherloc (09022015). Collection method: clinical testing. Allele origin: germline.
Comment: This variant is a gross deletion of the genomic region encompassing exon(s) 61-66 of the DNAH1 gene. This variant would be expected to be in-frame, preserving the integrity of the reading frame. This variant has not been reported in the literature in individuals affected with DNAH1-related conditions. Experimental studies and prediction algorithms are not available or were not evaluated, and the functional significance of this variant is currently unknown. This variant disrupts a region of the DNAH1 protein in which other variant(s) (p.Glu3284Lys) have been determined to be pathogenic (PMID: 28577616; Invitae). This suggests that this is a clinically significant region of the protein, and that variants that disrupt it are likely to be disease-causing. For these reasons, this variant has been classified as Pathogenic.

Literature cited by the submitters: PubMed 28577616.